The following is an entry in ClinVar:

ClinVar aggregate classification (germline): Likely pathogenic (1 of 4 stars; one submission).

Conditions:
Hereditary cancer-predisposing syndrome. Also called: Neoplastic Syndromes, Hereditary; Tumor predisposition; Hereditary Cancer Syndrome; Hereditary neoplastic syndrome. Identifiers: Orphanet 140162, MedGen C0027672, MeSH D009386, MONDO:0015356.

Submission:

Ambry Genetics
Classification: Likely pathogenic for Hereditary cancer-predisposing syndrome. Last evaluated: 2026-08-13. Review status: criteria provided, single submitter. Criteria: Ambry Variant Classification Scheme 2023. Collection method: clinical testing. Allele origin: germline.
Comment: The c.58_59insALU likely pathogenic variant results from the insertion of an Alu element between nucleotides c.58 and c.59 in coding exon 1 of the BRCA1 gene. Mobile element insertions contribute to pathogenicity by either disrupting the coding sequence or inducing aberrant splicing (Belancio VP et al. Semin. Cancer Biol. 2010 Aug;20:200-10; Deininger P et al. Genome Biol. 2011 Dec;12:236; van der Klift HM Hum Mutat. 2012 Jul;33(7):1051-5). Based on the majority of available evidence to date, this variant is likely to be pathogenic.

NM_000059.3:c.58_59insALU

Gene: BRCA2 (BRCA2 DNA repair associated; plus strand).
Variant type: Insertion.
Identifiers: ClinVar variation 5033335 (VCV005033335.1).